The following is an entry in ClinVar:

ClinVar aggregate classification (germline): Conflicting classifications of pathogenicity. Review status: criteria provided, conflicting classifications (1 of 4 stars). 4 submissions from 4 submitters: Uncertain significance (2); Benign (1); Likely benign (1). Last evaluated 2025-12-08.

Conditions:
Inborn genetic diseases. Identifiers: MedGen C0950123, MeSH D030342.
Congenital sensory neuropathy with selective loss of small myelinated fibers (HSAN5). Also called: HSAN Type V. Identifiers: Orphanet 64752, MedGen C0020075, MONDO:0012092, OMIM 608654.

Allele frequency attached by ClinVar (database versions not stated): TOPMed 0.00010; gnomAD 0.00011; 1000 Genomes Project 30x 0.00016.
gnomAD v4.1: 122 of 1,614,180 alleles (0.0076%); highest among the groups gnomAD compares: Middle Eastern, 0.05%; no homozygotes.

Submissions (4):

Ambry Genetics
Classification: Uncertain significance for Inborn genetic diseases. Last evaluated: 2025-12-08. Review status: criteria provided, single submitter. Criteria: Ambry Variant Classification Scheme 2023. Collection method: clinical testing. Allele origin: germline.

Labcorp Genetics (formerly Invitae), Labcorp
Classification: Benign for Congenital sensory neuropathy with selective loss of small myelinated fibers. Last evaluated: 2025-11-23. Review status: criteria provided, single submitter. Criteria: Invitae Variant Classification Sherloc (09022015). Collection method: clinical testing. Allele origin: germline.

GeneDx
Classification: Likely benign. Last evaluated: 2020-01-15. Review status: criteria provided, single submitter. Criteria: GeneDx Variant Classification Process June 2021. Collection method: clinical testing. Allele origin: germline. Affected: yes.
Comment: In silico analysis, which includes protein predictors and evolutionary conservation, supports that this variant does not alter protein structure/function; Has not been previously published as pathogenic or benign to our knowledge

Eurofins Ntd Llc (ga)
Classification: Uncertain significance. Last evaluated: 2017-01-26. Review status: criteria provided, single submitter. Criteria: EGL Classification Definitions 2015. Collection method: clinical testing. Allele origin: germline. Observed: 1 variant allele, 1 heterozygote.

NM_002506.3(NGF):c.191C>T (p.Ala64Val)

Genes: NGF (nerve growth factor; minus strand), NGF-AS1 (NGF antisense RNA 1; plus strand). Cytogenetic location: 1p13.2.
Variant type: single nucleotide variant.
Coding change: c.191C>T on transcript NM_002506.3 (MANE Select); coding-DNA position 191, C replaced by T.
Protein change: p.Ala64Val; replaces alanine 64 with valine.
Molecular consequence: missense variant.
Genome position (GRCh38, 1-based): chr1:115,286,605, G>A on the plus strand (C>T on the coding strand, the complement: NGF is on the minus strand). VCF-style: chr1-115286605-G-A. GRCh37 (hg19) VCF-style: chr1-115829226-G-A.
Other names: short protein forms A64V.
Identifiers: ClinVar variation 456628 (VCV000456628.19), dbSNP rs201087374, ClinGen allele CA1023034.